The following is an entry in ClinVar:

ClinVar aggregate classification (germline): Uncertain significance (1 of 4 stars; one submission).

Conditions:
Developmental and epileptic encephalopathy, 31A. Also called: Developmental and epileptic encephalopathy, 31; Epileptic encephalopathy, early infantile, 31. Identifiers: Orphanet 2382, MedGen C4225357, MONDO:0014598, OMIM 616346.

Submission:

Laboratorio de Genetica e Diagnostico Molecular, Hospital Israelita Albert Einstein
Classification: Uncertain significance for Developmental and epileptic encephalopathy, 31A. Last evaluated: 2022-08-19. Review status: criteria provided, single submitter. Criteria: ACMG Guidelines, 2015. Collection method: clinical testing. Allele origin: germline. Affected: yes. Observed: 1 variant allele.
Comment: ACMG classification criteria: PM2 moderated, PM4

NM_004408.4(DNM1):c.359_361dup (p.Ile120_Asn121insIle)

Genes: DNM1 (dynamin 1; plus strand), LOC113839516 (Sharpr-MPRA regulatory region 8497; plus strand). Cytogenetic location: 9q34.11.
Variant type: Duplication.
Coding change: c.359_361dup on transcript NM_004408.4 (MANE Select); coding-DNA positions 359 to 361, 3 bases duplicated (TCA; older notation c.359_361dupTCA).
Protein change: p.Ile120_Asn121insIle.
Molecular consequence: inframe insertion.
Genome position (GRCh38, 1-based): chr9:128,218,705-128,218,707, TCA duplicated; duplicating any 3 consecutive bases within chr9:128,218,704-128,218,707 gives the same sequence; the c. name uses the placement nearest the transcript's 3' end. VCF-style (leftmost placement, unchanged base first): chr9-128218703-T-TATC. GRCh37 (hg19) VCF-style: chr9-130980982-T-TATC.
Other names: c.359_361dup, p.Ile120_Asn121insIle (NM_001005336.3, NM_001288737.2, NM_001288738.2 and 2 more transcripts).
Identifiers: ClinVar variation 2431935 (VCV002431935.1), dbSNP rs2538976803, ClinGen allele CA2580079657.